The following is an entry in ClinVar:

NM_001042492.3(NF1):c.2826C>G (p.Ser942Arg)

Gene: NF1 (neurofibromin 1; plus strand). Cytogenetic location: 17q11.2.
Variant type: single nucleotide variant.
Coding change: c.2826C>G on transcript NM_001042492.3 (MANE Select); coding-DNA position 2826, C replaced by G.
Protein change: p.Ser942Arg; replaces serine 942 with arginine.
Molecular consequence: missense variant.
Genome position (GRCh38, 1-based): chr17:31,229,441, C>G. VCF-style: chr17-31229441-C-G. GRCh37 (hg19) VCF-style: chr17-29556459-C-G.
Other names: c.2826C>G, p.Ser942Arg (NM_000267.4); short protein forms S942R.
Identifiers: ClinVar variation 1491979 (VCV001491979.8), dbSNP rs2151429785, ClinGen allele CA398985811.
Genomic context (GRCh38, chr17:31,229,441, plus strand): 5'-TCTAGAATTGAGTCCTGCTCTGTATCCAATGCTATTTAACAAATTGAAGAATACCATCAG[C>G]AAGTTTTTTGACTCCCAAGGACAGGTAAAGTGTTCTCTTATTTTTCACCTTTCTCTATGA-3'
Protein context (NP_001035957.1, residues 932-952): MLFNKLKNTI[Ser942Arg]KFFDSQGQVL

ClinVar aggregate classification (germline): Uncertain significance (1 of 4 stars; one submission).

Conditions:
Neurofibromatosis, type 1 (NF1). Also called: NEUROFIBROMATOSIS, TYPE I, SOMATIC; Neurofibromatosis, type I; VON RECKLINGHAUSEN DISEASE; Peripheral type neurofibromatosis. Identifiers: Orphanet 636, MedGen C0027831, MONDO:0018975, OMIM 162200. Disease mechanism: loss of function.

Submission:

Labcorp Genetics (formerly Invitae), Labcorp
Classification: Uncertain significance for Neurofibromatosis, type 1. Last evaluated: 2024-05-14. Review status: criteria provided, single submitter. Criteria: Invitae Variant Classification Sherloc (09022015). Collection method: clinical testing. Allele origin: germline.
Comment: This sequence change replaces serine, which is neutral and polar, with arginine, which is basic and polar, at codon 942 of the NF1 protein (p.Ser942Arg). This variant is not present in population databases (gnomAD no frequency). This variant has not been reported in the literature in individuals affected with NF1-related conditions. ClinVar contains an entry for this variant (Variation ID: 1491979). Advanced modeling of protein sequence and biophysical properties (such as structural, functional, and spatial information, amino acid conservation, physicochemical variation, residue mobility, and thermodynamic stability) performed at Invitae indicates that this missense variant is not expected to disrupt NF1 protein function with a negative predictive value of 95%. In summary, the available evidence is currently insufficient to determine the role of this variant in disease. Therefore, it has been classified as a Variant of Uncertain Significance.